The following is an entry in ClinVar:

ClinVar aggregate classification (germline): Uncertain significance (1 of 4 stars; one submission).

Conditions:
Juvenile polyposis syndrome (JPS). Identifiers: Orphanet 2929, MedGen C0345893, MONDO:0017380, OMIM 174900.

Submission:

Labcorp Genetics (formerly Invitae), Labcorp
Classification: Uncertain significance for Juvenile polyposis syndrome. Last evaluated: 2025-03-25. Review status: criteria provided, single submitter. Criteria: Invitae Variant Classification Sherloc (09022015). Collection method: clinical testing. Allele origin: germline.
Comment: This sequence change replaces serine, which is neutral and polar, with asparagine, which is neutral and polar, at codon 18 of the SMAD4 protein (p.Ser18Asn). This variant is not present in population databases (gnomAD no frequency). This variant has not been reported in the literature in individuals affected with SMAD4-related conditions. Invitae Evidence Modeling of protein sequence and biophysical properties (such as structural, functional, and spatial information, amino acid conservation, physicochemical variation, residue mobility, and thermodynamic stability) has been performed for this missense variant. However, the output from this modeling did not meet the statistical confidence thresholds required to predict the impact of this variant on SMAD4 protein function. In summary, the available evidence is currently insufficient to determine the role of this variant in disease. Therefore, it has been classified as a Variant of Uncertain Significance.

NM_005359.6(SMAD4):c.53G>A (p.Ser18Asn)

Gene: SMAD4 (SMAD family member 4; plus strand). Cytogenetic location: 18q21.2.
Variant type: single nucleotide variant.
Coding change: c.53G>A on transcript NM_005359.6 (MANE Select); coding-DNA position 53, G replaced by A.
Protein change: p.Ser18Asn; replaces serine 18 with asparagine.
Molecular consequence: missense variant. On other transcripts: non-coding transcript variant (2).
Genome position (GRCh38, 1-based): chr18:51,047,099, G>A. VCF-style: chr18-51047099-G-A. GRCh37 (hg19) VCF-style: chr18-48573469-G-A.
Other names: c.53G>A, p.Ser18Asn (NM_001407041.1, NM_001407042.1, NM_001407043.1); short protein forms S18N.
Identifiers: ClinVar variation 4769181 (VCV004769181.1).